The following is an entry in ClinVar:

ClinVar aggregate classification (germline): Uncertain significance (1 of 4 stars; one submission).

gnomAD v4.1: 1 of 1,614,102 alleles (0.000062%); highest among the groups gnomAD compares: African/African-American, 0.0013%; no homozygotes.

Submission:

Labcorp Genetics (formerly Invitae), Labcorp
Classification: Uncertain significance. Last evaluated: 2022-04-01. Review status: criteria provided, single submitter. Criteria: Invitae Variant Classification Sherloc (09022015). Collection method: clinical testing. Allele origin: germline.
Comment: In summary, the available evidence is currently insufficient to determine the role of this variant in disease. Therefore, it has been classified as a Variant of Uncertain Significance. Algorithms developed to predict the effect of missense changes on protein structure and function (SIFT, PolyPhen-2, Align-GVGD) all suggest that this variant is likely to be tolerated. This variant has not been reported in the literature in individuals affected with RTN4IP1-related conditions. This variant is not present in population databases (gnomAD no frequency). This sequence change replaces arginine, which is basic and polar, with glutamine, which is neutral and polar, at codon 58 of the RTN4IP1 protein (p.Arg58Gln).

NM_032730.5(RTN4IP1):c.173G>A (p.Arg58Gln)

Gene: RTN4IP1 (reticulon 4 interacting protein 1; minus strand). Cytogenetic location: 6q21.
Variant type: single nucleotide variant.
Coding change: c.173G>A on transcript NM_032730.5 (MANE Select); coding-DNA position 173, G replaced by A.
Protein change: p.Arg58Gln; replaces arginine 58 with glutamine.
Molecular consequence: missense variant. On other transcripts: intron variant (1).
Genome position (GRCh38, 1-based): chr6:106,628,849, C>T on the plus strand (G>A on the coding strand, the complement: RTN4IP1 is on the minus strand). VCF-style: chr6-106628849-C-T. GRCh37 (hg19) VCF-style: chr6-107076724-C-T.
Other names: c.-27+1478G>A (NM_001318746.1); short protein forms R58Q.
Identifiers: ClinVar variation 2120646 (VCV002120646.4), dbSNP rs2482459482, ClinGen allele CA365168739.